The following is an entry in ClinVar:

ClinVar aggregate classification (germline): Uncertain significance (1 of 4 stars; one submission).

Conditions:
Intellectual developmental disorder, autosomal dominant 46. Also called: MENTAL RETARDATION, AUTOSOMAL DOMINANT 46; Intellectual disability, autosomal dominant 46. Identifiers: MedGen C4539851, MONDO:0030911, OMIM 617601.

Submission:

Laboratorio de Genetica e Diagnostico Molecular, Hospital Israelita Albert Einstein
Classification: Uncertain significance for Intellectual developmental disorder, autosomal dominant 46. Last evaluated: 2024-06-14. Review status: criteria provided, single submitter. Criteria: ACMG Guidelines, 2015. Collection method: clinical testing. Allele origin: germline. Affected: yes.
Comment: ACMG classification criteria: PM2 supporting, PP2 supporting, BP4 supporting

NM_019842.4(KCNQ5):c.128G>A (p.Arg43Gln)

Genes: KCNQ5 (potassium voltage-gated channel subfamily Q member 5; plus strand), KCNQ5-DT (KCNQ5 divergent transcript; minus strand), LOC129996711 (ATAC-STARR-seq lymphoblastoid silent region 17329; plus strand). Cytogenetic location: 6q13.
Variant type: single nucleotide variant.
Coding change: c.128G>A on transcript NM_019842.4 (MANE Select); coding-DNA position 128, G replaced by A.
Protein change: p.Arg43Gln; replaces arginine 43 with glutamine.
Molecular consequence: missense variant.
Genome position (GRCh38, 1-based): chr6:72,622,317, G>A. VCF-style: chr6-72622317-G-A. GRCh37 (hg19) VCF-style: chr6-73332045-G-A.
Other names: c.128G>A, p.Arg43Gln (NM_001160130.2, NM_001160132.2, NM_001160133.2 and 1 more transcripts); short protein forms R43Q.
Identifiers: ClinVar variation 4056525 (VCV004056525.1).